The following is an entry in ClinVar:

ClinVar aggregate classification (germline): Likely pathogenic (1 of 4 stars; one submission).

Submission:

GeneDx
Classification: Likely pathogenic. Last evaluated: 2018-12-04. Review status: criteria provided, single submitter. Criteria: GeneDx Variant Classification (06012015). Collection method: clinical testing. Allele origin: germline. Affected: yes.
Comment: A variant that is likely pathogenic has been identified in the CTNND2 gene. The c.1645_1646insGG variant gene causes a frameshift starting with codon Aspartic acid 549, changes this amino acid to a Glycine residue and creates a premature Stop codon at position 8 of the new reading frame, denoted p.Asp549GlyfsX8. This pathogenic variant is predicted to cause loss of normal protein function either through protein truncation or nonsense-mediated mRNA decay. This variant is not observed in large population cohorts (Lek et al., 2016). Therefore, this variant is likely pathogenic; however, the possibility that it is benign cannot be excluded.

NM_001332.4(CTNND2):c.1645_1646insGG (p.Asp549fs)

Gene: CTNND2 (catenin delta 2; minus strand). Cytogenetic location: 5p15.2.
Variant type: Insertion.
Coding change: c.1645_1646insGG on transcript NM_001332.4 (MANE Select); coding-DNA positions 1645 to 1646, GG inserted.
Protein change: p.Asp549fs; shifts the reading frame from aspartic acid 549.
Molecular consequence: frameshift variant. On other transcripts: non-coding transcript variant (1).
Genome position: GRCh38 VCF-style: chr5-11236806-T-TCC. GRCh37 (hg19) VCF-style: chr5-11236918-T-TCC.
Other names: c.1372_1373insGG, p.Asp458fs (NM_001288715.1); c.634_635insGG, p.Asp212fs (NM_001288716.1, NM_001364128.2); c.346_347insGG, p.Asp116fs (NM_001288717.2); short protein forms D116fs, D212fs, D458fs, D549fs.
Identifiers: ClinVar variation 817363 (VCV000817363.1), dbSNP rs1580669869, ClinGen allele CA915943257.